The following is an entry in ClinVar:

ClinVar aggregate classification (germline): Uncertain significance (1 of 4 stars; one submission).

Submission:

GeneDx
Classification: Uncertain significance. Last evaluated: 2023-03-18. Review status: criteria provided, single submitter. Criteria: GeneDx Variant Classification Process June 2021. Collection method: clinical testing. Allele origin: germline. Affected: yes.
Comment: Not observed at significant frequency in large population cohorts (gnomAD); In silico analysis supports that this missense variant does not alter protein structure/function; Has not been previously published as pathogenic or benign to our knowledge

NM_001378418.1(TCF20):c.3460G>C (p.Asp1154His)

Gene: TCF20 (transcription factor 20; minus strand). Cytogenetic location: 22q13.2.
Variant type: single nucleotide variant.
Coding change: c.3460G>C on transcript NM_001378418.1 (MANE Select); coding-DNA position 3460, G replaced by C.
Protein change: p.Asp1154His; replaces aspartic acid 1154 with histidine.
Molecular consequence: missense variant.
Genome position (GRCh38, 1-based): chr22:42,211,846, C>G on the plus strand (G>C on the coding strand, the complement: TCF20 is on the minus strand). VCF-style: chr22-42211846-C-G. GRCh37 (hg19) VCF-style: chr22-42607852-C-G.
Other names: c.3460G>C, p.Asp1154His (NM_005650.4, NM_181492.3); short protein forms D1154H.
Identifiers: ClinVar variation 2580818 (VCV002580818.1), dbSNP rs2518215954, ClinGen allele CA411786442.